The following is an entry in ClinVar:

ClinVar aggregate classification (germline): Uncertain significance. Review status: criteria provided, multiple submitters, no conflicts (2 of 4 stars). 3 submissions from 3 submitters: Uncertain significance (3). Last evaluated 2025-04-10.

gnomAD v4.1: 21 of 1,551,452 alleles (0.0014%); highest among the groups gnomAD compares: East Asian, 0.027%; no homozygotes.

Submissions (3):

Revvity Omics, Revvity
Classification: Uncertain significance. Last evaluated: 2025-04-10. Review status: criteria provided, single submitter. Criteria: ACMG Guidelines, 2015. Collection method: clinical testing. Allele origin: germline.

Labcorp Genetics (formerly Invitae), Labcorp
Classification: Uncertain significance. Last evaluated: 2025-04-02. Review status: criteria provided, single submitter. Criteria: Invitae Variant Classification Sherloc (09022015). Collection method: clinical testing. Allele origin: germline.
Comment: This sequence change replaces alanine, which is neutral and non-polar, with valine, which is neutral and non-polar, at codon 1182 of the ZSWIM6 protein (p.Ala1182Val). This variant is not present in population databases (gnomAD no frequency). This variant has not been reported in the literature in individuals affected with ZSWIM6-related conditions. Invitae Evidence Modeling of protein sequence and biophysical properties (such as structural, functional, and spatial information, amino acid conservation, physicochemical variation, residue mobility, and thermodynamic stability) indicates that this missense variant is not expected to disrupt ZSWIM6 protein function with a negative predictive value of 80%. In summary, the available evidence is currently insufficient to determine the role of this variant in disease. Therefore, it has been classified as a Variant of Uncertain Significance.

Blueprint Genetics
Classification: Uncertain significance. Last evaluated: 2021-11-24. Review status: criteria provided, single submitter. Criteria: ACMG Guidelines, 2015. Collection method: clinical testing. Allele origin: germline.

NM_020928.2(ZSWIM6):c.3545C>T (p.Ala1182Val)

Gene: ZSWIM6 (zinc finger SWIM-type containing 6; plus strand). Cytogenetic location: 5q12.1.
Variant type: single nucleotide variant.
Coding change: c.3545C>T on transcript NM_020928.2 (MANE Select); coding-DNA position 3545, C replaced by T.
Protein change: p.Ala1182Val; replaces alanine 1182 with valine.
Molecular consequence: missense variant.
Genome position (GRCh38, 1-based): chr5:61,544,214, C>T. VCF-style: chr5-61544214-C-T. GRCh37 (hg19) VCF-style: chr5-60840041-C-T.
Other names: short protein forms A1182V.
Identifiers: ClinVar variation 4081042 (VCV004081042.3).